The following is an entry in ClinVar:

NM_014989.7(RIMS1):c.3833G>A (p.Ser1278Asn)

Gene: RIMS1 (regulating synaptic membrane exocytosis 1; plus strand). Cytogenetic location: 6q13.
Variant type: single nucleotide variant.
Coding change: c.3833G>A on transcript NM_014989.7 (MANE Select); coding-DNA position 3833, G replaced by A.
Protein change: p.Ser1278Asn; replaces serine 1278 with asparagine.
Molecular consequence: missense variant.
Genome position (GRCh38, 1-based): chr6:72,292,029, G>A. VCF-style: chr6-72292029-G-A. GRCh37 (hg19) VCF-style: chr6-73001732-G-A.
Other names: c.1793G>A, p.Ser598Asn (NM_001168407.2, NM_001350422.2); c.1703G>A, p.Ser568Asn (NM_001350449.2, NM_001350454.2); c.1634G>A, p.Ser545Asn (NM_001350471.2); c.1676G>A, p.Ser559Asn (NM_001350472.2); c.1652G>A, p.Ser551Asn (NM_001350450.2, NM_001350421.2); c.1724G>A, p.Ser575Asn (NM_001350452.2, NM_001350430.2, NM_001350439.2 and 2 more transcripts); c.1571G>A, p.Ser524Asn (NM_001350455.2, NM_001350429.2); c.1976G>A, p.Ser659Asn (NM_001350456.2, NM_001350438.2); and 31 more; short protein forms S509N, S518N, S523N, S544N, S551N, S552N, S559N, S598N.
Identifiers: ClinVar variation 2973419 (VCV002973419.3), dbSNP rs2093463529, ClinGen allele CA364689725.
Genomic context (GRCh38, chr6:72,292,029, plus strand): 5'-CAGCAGACACATCGTTCAGCAGTCGCAGGGGAAGACAGCTCCCACAAGTGCCAGTGAGAA[G>A]CGGCAGTATAGAACAAGGTATCCGATAAAGAGAGATCATTGTCCAAAAATCTTGGATTTG-3'
Protein context (NP_055804.2, residues 1268-1288): GRQLPQVPVR[Ser1278Asn]GSIEQASLVV

ClinVar aggregate classification (germline): Uncertain significance (1 of 4 stars; one submission).

Allele frequency attached by ClinVar (database versions not stated): gnomAD exomes below 0.00001; TOPMed below 0.00001.
gnomAD v4.1: 3 of 1,555,644 alleles (0.00019%); highest among the groups gnomAD compares: Non-Finnish European, 0.00017%; no homozygotes.

Submission:

Labcorp Genetics (formerly Invitae), Labcorp
Classification: Uncertain significance. Last evaluated: 2022-11-24. Review status: criteria provided, single submitter. Criteria: Invitae Variant Classification Sherloc (09022015). Collection method: clinical testing. Allele origin: germline.
Comment: This sequence change replaces serine, which is neutral and polar, with asparagine, which is neutral and polar, at codon 1278 of the RIMS1 protein (p.Ser1278Asn). This variant is not present in population databases (gnomAD no frequency). This variant has not been reported in the literature in individuals affected with RIMS1-related conditions. Algorithms developed to predict the effect of missense changes on protein structure and function (SIFT, PolyPhen-2, Align-GVGD) all suggest that this variant is likely to be disruptive. In summary, the available evidence is currently insufficient to determine the role of this variant in disease. Therefore, it has been classified as a Variant of Uncertain Significance.